The following is an entry in ClinVar:

ClinVar aggregate classification (germline): Uncertain significance. Review status: criteria provided, multiple submitters, no conflicts (2 of 4 stars). 2 submissions from 2 submitters: Uncertain significance (2). Last evaluated 2025-06-18.

Conditions:
DYRK1A-related intellectual disability syndrome (MRD7). Also called: DYRK1A Syndrome; Intellectual developmental disorder, autosomal dominant 7. Identifiers: Orphanet 464306, MedGen C5568143, MONDO:0013578, OMIM 614104.

gnomAD v4.1: 1 of 1,614,198 alleles (0.000062%); highest among the groups gnomAD compares: Non-Finnish European, 0.000085%; no homozygotes.

Submissions (2):

Labcorp Genetics (formerly Invitae), Labcorp
Classification: Uncertain significance for DYRK1A-related intellectual disability syndrome. Last evaluated: 2025-06-18. Review status: criteria provided, single submitter. Criteria: Invitae Variant Classification Sherloc (09022015). Collection method: clinical testing. Allele origin: germline.
Comment: This sequence change replaces glutamine, which is neutral and polar, with glutamic acid, which is acidic and polar, at codon 576 of the DYRK1A protein (p.Gln576Glu). This variant is not present in population databases (gnomAD no frequency). This variant has not been reported in the literature in individuals affected with DYRK1A-related conditions. Invitae Evidence Modeling of protein sequence and biophysical properties (such as structural, functional, and spatial information, amino acid conservation, physicochemical variation, residue mobility, and thermodynamic stability) indicates that this missense variant is not expected to disrupt DYRK1A protein function with a negative predictive value of 95%. In summary, the available evidence is currently insufficient to determine the role of this variant in disease. Therefore, it has been classified as a Variant of Uncertain Significance.

Blueprint Genetics
Classification: Uncertain significance. Last evaluated: 2020-12-31. Review status: criteria provided, single submitter. Criteria: ACMG Guidelines, 2015. Collection method: clinical testing. Allele origin: germline.

NM_001347721.2(DYRK1A):c.1699C>G (p.Gln567Glu)

Gene: DYRK1A (dual specificity tyrosine phosphorylation regulated kinase 1A; plus strand). Cytogenetic location: 21q22.13.
Variant type: single nucleotide variant.
Coding change: c.1699C>G on transcript NM_001347721.2 (MANE Select); coding-DNA position 1699, C replaced by G.
Protein change: p.Gln567Glu; replaces glutamine 567 with glutamic acid.
Molecular consequence: missense variant. On other transcripts: 3 prime UTR variant (2).
Genome position (GRCh38, 1-based): chr21:37,511,965, C>G. VCF-style: chr21-37511965-C-G. GRCh37 (hg19) VCF-style: chr21-38884268-C-G.
Other names: c.1699C>G, p.Gln567Glu (NM_001347722.2, NM_130436.2); c.1612C>G, p.Gln538Glu (NM_001347723.2); c.1726C>G, p.Gln576Glu (NM_001396.5); c.*102C>G (NM_101395.2); c.*11C>G (NM_130438.2); short protein forms Q538E, Q567E, Q576E.
Identifiers: ClinVar variation 4702507 (VCV004702507.2).